The following is an entry in ClinVar:

NM_003242.6(TGFBR2):c.1015C>T (p.Arg339Trp)

Gene: TGFBR2 (transforming growth factor beta receptor 2; plus strand). Cytogenetic location: 3p24.1.
Variant type: single nucleotide variant.
Coding change: c.1015C>T on transcript NM_003242.6 (MANE Select); coding-DNA position 1015, C replaced by T.
Protein change: p.Arg339Trp; replaces arginine 339 with tryptophan.
Molecular consequence: missense variant.
Genome position (GRCh38, 1-based): chr3:30,672,198, C>T. VCF-style: chr3-30672198-C-T. GRCh37 (hg19) VCF-style: chr3-30713690-C-T.
Other names: c.1090C>T, p.Arg364Trp (NM_001024847.3); c.1198C>T, p.Arg400Trp (NM_001407126.1); c.1123C>T, p.Arg375Trp (NM_001407127.1); c.1042C>T, p.Arg348Trp (NM_001407128.1); c.1018C>T, p.Arg340Trp (NM_001407129.1); c.1015C>T, p.Arg339Trp (NM_001407130.1); c.910C>T, p.Arg304Trp (NM_001407132.1, NM_001407133.1, NM_001407134.1 and 2 more transcripts); c.730C>T, p.Arg244Trp (NM_001407137.1); and 1 more; short protein forms R364W, R339W, R304W, R348W, R375W, R340W, R400W, R219W.
Identifiers: ClinVar variation 374980 (VCV000374980.36), dbSNP rs761991787, ClinGen allele CA045395.

ClinVar aggregate classification (germline): Conflicting classifications of pathogenicity. Review status: criteria provided, conflicting classifications (1 of 4 stars). 11 submissions from 10 submitters: Uncertain significance (5); Likely benign (3). 3 of the submissions do not count toward it. Last evaluated 2026-09-30.

Conditions:
Lynch syndrome. Identifiers: Orphanet 144, MedGen C4552100, MONDO:0005835. Disease mechanism: loss of function.
Loeys-Dietz syndrome 2 (LDS2). Also called: TGFBR2-Related Loeys-Dietz Syndrome; Marfan syndrome, type 2 (formerly); AORTIC ANEURYSM, FAMILIAL THORACIC 3; MARFAN SYNDROME, TYPE II; Marfan Syndrome type 2; Marfan like connective tissue disorder. Identifiers: Orphanet 284973, Orphanet 558, MedGen C2674574, MONDO:0012427, OMIM 610168.
Malignant tumor of esophagus. Also called: Esophageal cancer; Esophageal cancer, somatic. Identifiers: Orphanet 99977, MedGen C0546837, MONDO:0007576, OMIM 133239.
Colorectal cancer, hereditary nonpolyposis, type 6. Also called: Colon cancer, hereditary nonpolyposis, type 6; Colon cancer, hereditary nonpolyposis, type 6, somatic. Identifiers: Orphanet 144, MedGen C1860896, MONDO:0013695, OMIM 614331.
TGFBR2-related disorder. Also called: TGFBR2-related condition.
Familial thoracic aortic aneurysm and aortic dissection (TAAD). Also called: Thoracic aortic aneurysms and dissections. Identifiers: Orphanet 91387, MedGen C4707243, MONDO:0019625.
Loeys-Dietz syndrome (LDS). Identifiers: Orphanet 60030, MedGen C2697932, MONDO:0018954.

Allele frequency attached by ClinVar (database versions not stated): gnomAD 0.00004 and 0.00003; ExAC 0.00005; TOPMed 0.00011; gnomAD exomes 0.00009.
gnomAD v4.1: 47 of 1,612,042 alleles (0.0029%); highest among the groups gnomAD compares: Admixed American, 0.037%; no homozygotes.

Submissions (11):

GeneDx
Classification: Uncertain significance. Last evaluated: 2026-09-30. Review status: criteria provided, single submitter. Criteria: GeneDx Variant Classification Process June 2021. Collection method: clinical testing. Allele origin: germline.
Comment: In silico analysis supports that this missense variant has a deleterious effect on protein structure/function; Identified in a cohort of patients with bicuspid aortic valve and thoracic aortic aneurysm in published literature (PMID: 28659821); This variant is associated with the following publications: (PMID: 28659821)

Labcorp Genetics (formerly Invitae), Labcorp
Classification: Uncertain significance for Familial thoracic aortic aneurysm and aortic dissection. Last evaluated: 2025-01-28. Review status: criteria provided, single submitter. Criteria: Invitae Variant Classification Sherloc (09022015). Collection method: clinical testing. Allele origin: germline.
Comment: This sequence change replaces arginine, which is basic and polar, with tryptophan, which is neutral and slightly polar, at codon 339 of the TGFBR2 protein (p.Arg339Trp). This variant is present in population databases (rs761991787, gnomAD 0.05%), and has an allele count higher than expected for a pathogenic variant. This missense change has been observed in individual(s) with TGFBR2-related conditions (internal data). It has also been observed to segregate with disease in related individuals. ClinVar contains an entry for this variant (Variation ID: 374980). Invitae Evidence Modeling incorporating data from in vitro experimental studies (internal data) indicates that this missense variant is expected to disrupt TGFBR2 function with a positive predictive value of 95%. In summary, the available evidence is currently insufficient to determine the role of this variant in disease. Therefore, it has been classified as a Variant of Uncertain Significance.

Ambry Genetics
Classification: Uncertain significance for Familial thoracic aortic aneurysm and aortic dissection. Last evaluated: 2024-03-30. Review status: criteria provided, single submitter. Criteria: Ambry Variant Classification Scheme 2023. Collection method: clinical testing. Allele origin: germline.
Comment: The p.R339W variant (also known as c.1015C>T), located in coding exon 4 of the TGFBR2 gene, results from a C to T substitution at nucleotide position 1015. The arginine at codon 339 is replaced by tryptophan, an amino acid with dissimilar properties. This amino acid position is not well conserved in available vertebrate species. In addition, the in silico prediction for this alteration is inconclusive. Since supporting evidence is limited at this time, the clinical significance of this alteration remains unclear.

Revvity Omics, Revvity
Classification: Uncertain significance. Last evaluated: 2021-03-21. Review status: criteria provided, single submitter. Criteria: ACMG Guidelines, 2015. Collection method: clinical testing. Allele origin: germline.

Color Diagnostics, LLC DBA Color Health
Classification: Likely benign for Familial thoracic aortic aneurysm and aortic dissection. Last evaluated: 2020-01-23. Review status: criteria provided, single submitter. Criteria: ACMG Guidelines, 2015. Collection method: clinical testing. Allele origin: germline.

Fulgent Genetics
Classification: Uncertain significance for Malignant tumor of esophagus; Loeys-Dietz syndrome 2; Colorectal cancer, hereditary nonpolyposis, type 6. Last evaluated: 2018-10-31. Review status: criteria provided, single submitter. Criteria: ACMG Guidelines, 2015. Collection method: clinical testing. Allele origin: unknown.

CHEO Genetics Diagnostic Laboratory, Children's Hospital of Eastern Ontario
Classification: Likely benign for Familial thoracic aortic aneurysm and aortic dissection. Last evaluated: 2018-09-18. Review status: criteria provided, single submitter. Criteria: ACMG Guidelines, 2015. Collection method: clinical testing. Allele origin: germline.

Women's Health and Genetics/Laboratory Corporation of America, LabCorp
Classification: Likely benign. Last evaluated: 2018-07-30. Review status: criteria provided, single submitter. Criteria: LabCorp Variant Classification Summary - May 2015. Collection method: clinical testing. Allele origin: germline.
Comment: Variant summary: TGFBR2 c.1015C>T (p.Arg339Trp) results in a non-conservative amino acid change located in the catalytic domain of the Serine-threonine/tyrosine-protein kinase (IPR001245) of the encoded protein sequence. Five of five in-silico tools predict a damaging effect of the variant on protein function. The variant allele was found at a frequency of 9.4e-05 in 245908 control chromosomes (gnomAD and publications). The observed variant frequency is approximately 75-fold of the estimated maximal expected allele frequency for a pathogenic variant in TGFBR2 causing Aortopathy phenotype (1.3e-06), strongly suggesting that the variant is benign. To our knowledge, no occurrence of c.1015C>T in individuals affected with Aortopathy and no experimental evidence demonstrating its impact on protein function have been reported. No clinical diagnostic laboratories have submitted clinical-significance assessments for this variant to ClinVar after 2014. Based on the evidence outlined above, the variant was classified as likely benign.

PreventionGenetics, part of Exact Sciences
Classification: Likely benign for TGFBR2-related condition. Last evaluated: 2023-01-23. Review status: no assertion criteria provided. Collection method: clinical testing. Allele origin: germline. Not counted in ClinVar's aggregate classification.
Comment: This variant is classified as likely benign based on ACMG/AMP sequence variant interpretation guidelines (Richards et al. 2015 PMID: 25741868, with internal and published modifications).

Knight Diagnostic Laboratories, Oregon Health and Sciences University
Classification: Uncertain significance for Hereditary nonpolyposis colorectal cancer. Last evaluated: 2016-01-27. Review status: no assertion criteria provided. Criteria: ACMG Guidelines, 2015. Collection method: clinical testing. Allele origin: germline. Affected: no. Study: CSER-NextGen. Not counted in ClinVar's aggregate classification.

Knight Diagnostic Laboratories, Oregon Health and Sciences University
Classification: Uncertain significance for Loeys-Dietz syndrome. Last evaluated: 2016-01-27. Review status: no assertion criteria provided. Criteria: ACMG Guidelines, 2015. Collection method: clinical testing. Allele origin: germline. Affected: no. Study: CSER-NextGen. Not counted in ClinVar's aggregate classification.

Literature cited by the submitters: PubMed 28659821 (cited by Women's Health and Genetics/Laboratory Corporation of America, LabCorp).